The following is an entry in ClinVar:

ClinVar aggregate classification (germline): other (0 of 4 stars; one submission).

Conditions:
Familial colorectal cancer. Identifiers: MedGen CN280943, MONDO:0023113. Disease mechanism: loss of function.

Allele frequency attached by ClinVar (database versions not stated): 1000 Genomes Project 0.09265; gnomAD 0.05428 and 0.05522; TOPMed 0.06131; 1000 Genomes Project 30x 0.09041.

Submission:

Systems Biology Platform Zhejiang California International NanoSystems Institute
Classification: other for Familial colorectal cancer. Review status: no assertion criteria provided. Collection method: not provided. Allele origin: unknown.
ClinVar note: Converted during submission from cancer to other.

NM_000038.6(APC):c.646-1798T>C

Gene: APC (APC regulator of WNT signaling pathway; plus strand). Cytogenetic location: 5q22.2.
Variant type: single nucleotide variant.
Coding change: c.646-1798T>C on transcript NM_000038.6 (MANE Select); 1798 bases into the intron before coding-DNA position 646, T replaced by C.
Molecular consequence: intron variant.
Genome position (GRCh38, 1-based): chr5:112,790,648, T>C. VCF-style: chr5-112790648-T-C. GRCh37 (hg19) VCF-style: chr5-112126345-T-C.
Other names: c.646-1798T>C (NM_001354895.2, NM_001127510.3, NM_001354896.2 and 1 more transcripts); c.676-1798T>C (NM_001354897.2, NM_001354902.2); c.675+9745T>C (NM_001127511.3); c.571-1798T>C (NM_001354898.2, NM_001354904.2); c.-390-1798T>C (NM_001354906.2); c.645+9745T>C (NM_001354899.2); c.469-1798T>C (NM_001354900.2, NM_001354901.2, NM_001354905.2).
Identifiers: ClinVar variation 82994 (VCV000082994.2), dbSNP rs79949837, ClinGen allele CA011688.